The following is an entry in ClinVar:

ClinVar aggregate classification (germline): Likely benign. Review status: criteria provided, single submitter (1 of 4 stars). 2 submissions from 2 submitters: Likely benign (1). 1 of the submissions does not count toward it. Last evaluated 2025-11-28.

Conditions:
PMPCB-related disorder. Also called: PMPCB-related condition.

Allele frequency attached by ClinVar (database versions not stated): ESP Exome Variant Server 0.00023; gnomAD 0.00031; TOPMed 0.00037.
gnomAD v4.1: 91 of 1,537,800 alleles (0.0059%); highest among the groups gnomAD compares: African/African-American, 0.12%; 1 homozygote.

Submissions (2):

Labcorp Genetics (formerly Invitae), Labcorp
Classification: Likely benign. Last evaluated: 2025-11-28. Review status: criteria provided, single submitter. Criteria: Invitae Variant Classification Sherloc (09022015). Collection method: clinical testing. Allele origin: germline.

PreventionGenetics, part of Exact Sciences
Classification: Likely benign for PMPCB-related condition. Last evaluated: 2020-03-23. Review status: no assertion criteria provided. Collection method: clinical testing. Allele origin: germline. Not counted in ClinVar's aggregate classification.
Comment: This variant is classified as likely benign based on ACMG/AMP sequence variant interpretation guidelines (Richards et al. 2015 PMID: 25741868, with internal and published modifications).

NM_004279.3(PMPCB):c.241-7C>G

Gene: PMPCB (peptidase, mitochondrial processing subunit beta; plus strand). Cytogenetic location: 7q22.1.
Variant type: single nucleotide variant.
Coding change: c.241-7C>G on transcript NM_004279.3 (MANE Select); 7 bases into the intron before coding-DNA position 241, C replaced by G.
Molecular consequence: intron variant.
Genome position (GRCh38, 1-based): chr7:103,299,436, C>G. VCF-style: chr7-103299436-C-G. GRCh37 (hg19) VCF-style: chr7-102939883-C-G.
Identifiers: ClinVar variation 3046521 (VCV003046521.3), dbSNP rs376139529, ClinGen allele CA4417882.